The following is an entry in ClinVar:

ClinVar aggregate classification (germline): Likely benign. Review status: criteria provided, multiple submitters, no conflicts (2 of 4 stars). 3 submissions from 3 submitters: Likely benign (2). 1 of the submissions does not count toward it. Last evaluated 2024-09-11.

Conditions:
Familial hypocalciuric hypercalcemia (FHH). Also called: Familial benign hypercalcemia. Identifiers: Orphanet 405, MedGen C1809471, MONDO:0018458.
Autosomal dominant hypocalcemia 1 (HYPOC1). Also called: HYPOCALCEMIA, FAMILIAL. Identifiers: MedGen C3715128, MONDO:0011013, OMIM 601198.
Nephrolithiasis/nephrocalcinosis. Identifiers: MedGen CN580796.

Allele frequency attached by ClinVar (database versions not stated): gnomAD exomes below 0.00001.
gnomAD v4.1: 7 of 1,613,538 alleles (0.00043%); highest among the groups gnomAD compares: Non-Finnish European, 0.00051%; no homozygotes.

Submissions (3):

Labcorp Genetics (formerly Invitae), Labcorp
Classification: Likely benign for Familial hypocalciuric hypercalcemia; Autosomal dominant hypocalcemia 1. Last evaluated: 2024-09-11. Review status: criteria provided, single submitter. Criteria: Invitae Variant Classification Sherloc (09022015). Collection method: clinical testing. Allele origin: germline.

Ambry Genetics
Classification: Likely benign for Nephrolithiasis/nephrocalcinosis. Last evaluated: 2019-12-04. Review status: criteria provided, single submitter. Criteria: Ambry Variant Classification Scheme 2023. Collection method: clinical testing. Allele origin: germline.

Martin Pollak Laboratory,  Beth Israel Deaconess Medical Center
Classification: Uncertain significance. Review status: no assertion criteria provided. Collection method: not provided. Allele origin: unknown. Not counted in ClinVar's aggregate classification.
Comment: Lower UCa2+ group
ClinVar note: Converted during submission from unknown to Uncertain significance.

NM_000388.4(CASR):c.1395G>A (p.Arg465=)

Gene: CASR (calcium sensing receptor; plus strand). Cytogenetic location: 3q21.1.
Variant type: single nucleotide variant.
Coding change: c.1395G>A on transcript NM_000388.4 (MANE Select); coding-DNA position 1395, G replaced by A.
Protein change: p.Arg465=; no amino-acid change (arginine 465 retained).
Molecular consequence: synonymous variant.
Genome position (GRCh38, 1-based): chr3:122,275,829, G>A. VCF-style: chr3-122275829-G-A. GRCh37 (hg19) VCF-style: chr3-121994676-G-A.
Other names: c.1395G>A, p.Arg465= (NM_001178065.2).
Identifiers: ClinVar variation 64429 (VCV000064429.15), dbSNP rs387907391, ClinGen allele CA216122.